The following is an entry in ClinVar:

ClinVar aggregate classification (germline): Uncertain significance (1 of 4 stars; one submission).

Allele frequency attached by ClinVar (database versions not stated): gnomAD exomes below 0.00001 and 0.00002; TOPMed below 0.00001; ExAC 0.00002.
gnomAD v4.1: 7 of 1,614,098 alleles (0.00043%); highest among the groups gnomAD compares: Middle Eastern, 0.017%; no homozygotes.

Submission:

Labcorp Genetics (formerly Invitae), Labcorp
Classification: Uncertain significance. Last evaluated: 2025-01-30. Review status: criteria provided, single submitter. Criteria: Invitae Variant Classification Sherloc (09022015). Collection method: clinical testing. Allele origin: germline.
Comment: This sequence change replaces glutamine, which is neutral and polar, with proline, which is neutral and non-polar, at codon 2130 of the VCAN protein (p.Gln2130Pro). This variant is present in population databases (rs745596001, gnomAD 0.006%). This variant has not been reported in the literature in individuals affected with VCAN-related conditions. ClinVar contains an entry for this variant (Variation ID: 1472859). An algorithm developed to predict the effect of missense changes on protein structure and function (PolyPhen-2) suggests that this variant is likely to be tolerated. In summary, the available evidence is currently insufficient to determine the role of this variant in disease. Therefore, it has been classified as a Variant of Uncertain Significance.

NM_004385.5(VCAN):c.6389A>C (p.Gln2130Pro)

Genes: VCAN (versican; plus strand), VCAN-AS1 (VCAN antisense RNA 1; minus strand). Cytogenetic location: 5q14.3.
Variant type: single nucleotide variant.
Coding change: c.6389A>C on transcript NM_004385.5 (MANE Select); coding-DNA position 6389, A replaced by C.
Protein change: p.Gln2130Pro; replaces glutamine 2130 with proline.
Molecular consequence: missense variant. On other transcripts: intron variant (2).
Genome position (GRCh38, 1-based): chr5:83,539,392, A>C. VCF-style: chr5-83539392-A-C. GRCh37 (hg19) VCF-style: chr5-82835211-A-C.
Other names: c.3428A>C, p.Gln1143Pro (NM_001164097.2); c.4004-6145A>C (NM_001164098.2); c.1043-6145A>C (NM_001126336.3); short protein forms Q2130P, Q1143P.
Identifiers: ClinVar variation 1472859 (VCV001472859.6), dbSNP rs745596001, ClinGen allele CA3333474.
Genomic context (GRCh38, chr5:83,539,392, plus strand): 5'-TTGAAAGTGAAACAACATCAGAGGAACAAATTCAAGAAGAAAAGTCATTTGAATCCCCTC[A>C]AAACTCTCCTGCAACAGAACAAACAATCTTTGATTCACAGACATTTACTGAAACTGAACT-3'
Protein context (NP_004376.2, residues 2120-2140): IQEEKSFESP[Gln2130Pro]NSPATEQTIF